The following is an entry in ClinVar:

NM_144997.7(FLCN):c.295G>C (p.Asp99His)

Gene: FLCN (folliculin; minus strand). Cytogenetic location: 17p11.2.
Variant type: single nucleotide variant.
Coding change: c.295G>C on transcript NM_144997.7 (MANE Select); coding-DNA position 295, G replaced by C.
Protein change: p.Asp99His; replaces aspartic acid 99 with histidine.
Molecular consequence: missense variant.
Genome position (GRCh38, 1-based): chr17:17,226,277, C>G on the plus strand (G>C on the coding strand, the complement: FLCN is on the minus strand). VCF-style: chr17-17226277-C-G. GRCh37 (hg19) VCF-style: chr17-17129591-C-G.
Other names: c.295G>C, p.Asp99His (NM_001353229.2, NM_001353230.2, NM_001353231.2 and 1 more transcripts); short protein forms D99H.
Identifiers: ClinVar variation 4743584 (VCV004743584.1).

ClinVar aggregate classification (germline): Uncertain significance (1 of 4 stars; one submission).

Conditions:
Birt-Hogg-Dube syndrome. Also called: Birt Hogg Dubé syndrome. Identifiers: Orphanet 122, MedGen C0346010, MONDO:0800444.

gnomAD v4.1: 1 of 1,614,178 alleles (0.000062%); no homozygotes.

Submission:

Labcorp Genetics (formerly Invitae), Labcorp
Classification: Uncertain significance for Birt-Hogg-Dube syndrome. Last evaluated: 2025-10-19. Review status: criteria provided, single submitter. Criteria: Invitae Variant Classification Sherloc (09022015). Collection method: clinical testing. Allele origin: germline.
Comment: This sequence change replaces aspartic acid, which is acidic and polar, with histidine, which is basic and polar, at codon 99 of the FLCN protein (p.Asp99His). This variant is not present in population databases (gnomAD no frequency). This variant has not been reported in the literature in individuals affected with FLCN-related conditions. Invitae Evidence Modeling of protein sequence and biophysical properties (such as structural, functional, and spatial information, amino acid conservation, physicochemical variation, residue mobility, and thermodynamic stability) indicates that this missense variant is expected to disrupt FLCN protein function with a positive predictive value of 80%. In summary, the available evidence is currently insufficient to determine the role of this variant in disease. Therefore, it has been classified as a Variant of Uncertain Significance.